The following is an entry in ClinVar:

ClinVar aggregate classification (germline): Pathogenic (1 of 4 stars; one submission).

Allele frequency attached by ClinVar (database versions not stated): gnomAD 0.00001; gnomAD exomes 0.00001.
gnomAD v4.1: 5 of 1,613,578 alleles (0.00031%); highest among the groups gnomAD compares: South Asian, 0.0022%; no homozygotes.

Submission:

Labcorp Genetics (formerly Invitae), Labcorp
Classification: Pathogenic. Last evaluated: 2024-03-03. Review status: criteria provided, single submitter. Criteria: Invitae Variant Classification Sherloc (09022015). Collection method: clinical testing. Allele origin: germline.
Comment: This sequence change creates a premature translational stop signal (p.Tyr124*) in the COX15 gene. It is expected to result in an absent or disrupted protein product. Loss-of-function variants in COX15 are known to be pathogenic (PMID: 15863660, 21412973). The frequency data for this variant in the population databases is considered unreliable, as metrics indicate poor data quality at this position in the gnomAD database. This variant has not been reported in the literature in individuals affected with COX15-related conditions. For these reasons, this variant has been classified as Pathogenic.

Literature cited by the submitters: PubMed 15863660; PubMed 21412973.

NM_078470.6(COX15):c.372C>A (p.Tyr124Ter)

Gene: COX15 (cytochrome c oxidase assembly factor COX15; minus strand). Cytogenetic location: 10q24.2.
Variant type: single nucleotide variant.
Coding change: c.372C>A on transcript NM_078470.6 (MANE Select); coding-DNA position 372, C replaced by A.
Protein change: p.Tyr124Ter; replaces tyrosine 124 with a stop codon.
Molecular consequence: nonsense. On other transcripts: 5 prime UTR variant (1), non-coding transcript variant (1).
Genome position (GRCh38, 1-based): chr10:99,727,464, G>T on the plus strand (C>A on the coding strand, the complement: COX15 is on the minus strand). VCF-style: chr10-99727464-G-T. GRCh37 (hg19) VCF-style: chr10-101487221-G-T.
Other names: c.372C>A, p.Tyr124Ter (NM_001320974.2, NM_001320975.2, NM_001372024.1 and 5 more transcripts); c.-83C>A (NM_001320976.2); short protein forms Y124*.
Identifiers: ClinVar variation 2998078 (VCV002998078.3), dbSNP rs1163745614, ClinGen allele CA378089345.